The following is an entry in ClinVar:

NM_000233.4(LHCGR):c.*528T>C

Genes: LHCGR (luteinizing hormone/choriogonadotropin receptor; minus strand), STON1-GTF2A1L (STON1-GTF2A1L readthrough; plus strand). Cytogenetic location: 2p16.3.
Variant type: single nucleotide variant.
Coding change: c.*528T>C on transcript NM_000233.4 (MANE Select); 528 bases downstream of the stop codon, T replaced by C.
Molecular consequence: 3 prime UTR variant. On other transcripts: intron variant (1).
Genome position (GRCh38, 1-based): chr2:48,687,169, A>G on the plus strand (T>C on the coding strand, the complement: LHCGR is on the minus strand). VCF-style: chr2-48687169-A-G. GRCh37 (hg19) VCF-style: chr2-48914308-A-G.
Other names: c.3441+15489A>G (NM_001198593.2).
Identifiers: ClinVar variation 336448 (VCV000336448.6), dbSNP rs73928203, ClinGen allele CA10615522.
Genomic context (GRCh38, chr2:48,687,169, plus strand): 5'-GTGATGAAAATATTCTGTGTCTGTGCTGTCCAGTATGGTAAGCACTAGTCACACGTAGCC[A>G]TTGAGAACTTGAAACGTGGCTAGTGCAACTGAGAAACTACATTTCTCATTTTATTTAATT-3'

ClinVar aggregate classification (germline): Benign. Review status: criteria provided, multiple submitters, no conflicts (2 of 4 stars). 3 submissions from 2 submitters: Benign (3). Last evaluated 2021-05-13.

Conditions:
Leydig cell agenesis. Also called: LEYDIG CELL HYPOPLASIA WITH MALE PSEUDOHERMAPHRODITISM; LEYDIG CELL HYPOPLASIA, COMPLETE; HYPERGONADOTROPIC HYPOGONADISM, MALE, DUE TO LHCGR DEFECT; Leydig cell hypoplasia, type 1. Identifiers: MedGen C0266432, MONDO:0009384, OMIM 238320.
Gonadotropin-independent familial sexual precocity. Also called: TESTOTOXICOSIS, FAMILIAL; Familial male-limited precocious puberty. Identifiers: Orphanet 3000, MedGen C0342549, MONDO:0008303, OMIM 176410.

Allele frequency attached by ClinVar (database versions not stated): gnomAD exomes 0.00169; 1000 Genomes Project 0.04153; gnomAD 0.04337; 1000 Genomes Project 30x 0.04419; TOPMed 0.04449.
gnomAD v4.1: 6,068 of 159,004 alleles (3.8%); highest among the groups gnomAD compares: African/African-American, 14%; 394 homozygotes.

Submissions (3):

GeneDx
Classification: Benign. Last evaluated: 2021-05-13. Review status: criteria provided, single submitter. Criteria: GeneDx Variant Classification Process June 2021. Collection method: clinical testing. Allele origin: germline. Affected: yes.

Illumina Laboratory Services, Illumina
Classification: Benign for Leydig cell agenesis. Last evaluated: 2018-01-12. Review status: criteria provided, single submitter. Criteria: ICSL Variant Classification Criteria 13 December 2019. Collection method: clinical testing. Allele origin: germline.
Comment: This variant was observed in the ICSL laboratory as part of a predisposition screen in an ostensibly healthy population. It had not been previously curated by ICSL or reported in the Human Gene Mutation Database (HGMD: prior to June 1st, 2018), and was therefore a candidate for classification through an automated scoring system. Utilizing variant allele frequency, disease prevalence and penetrance estimates, and inheritance mode, an automated score was calculated to assess if this variant is too frequent to cause the disease. Based on the score and internal cut-off values, a variant classified as benign is not then subjected to further curation. The score for this variant resulted in a classification of benign for this disease.

Illumina Laboratory Services, Illumina
Classification: Benign for Gonadotropin-independent familial sexual precocity. Last evaluated: 2018-01-12. Review status: criteria provided, single submitter. Criteria: ICSL Variant Classification Criteria 13 December 2019. Collection method: clinical testing. Allele origin: germline.
Comment: the same text as in the submission from Illumina Laboratory Services, Illumina above.